The following is an entry in ClinVar:

NM_033100.4(CDHR1):c.526-1G>A

Gene: CDHR1 (cadherin related family member 1; plus strand). Cytogenetic location: 10q23.1.
Variant type: single nucleotide variant.
Coding change: c.526-1G>A on transcript NM_033100.4 (MANE Select); the canonical splice acceptor site of the intron before coding-DNA position 526, G replaced by A.
Molecular consequence: splice acceptor variant.
Genome position (GRCh38, 1-based): chr10:84,201,806, G>A. VCF-style: chr10-84201806-G-A. GRCh37 (hg19) VCF-style: chr10-85961562-G-A.
Other names: c.526-1G>A (NM_001171971.3).
Identifiers: ClinVar variation 1345085 (VCV001345085.9), dbSNP rs1842129715, ClinGen allele CA377372158.

ClinVar aggregate classification (germline): Likely pathogenic. Review status: criteria provided, multiple submitters, no conflicts (2 of 4 stars). 2 submissions from 2 submitters: Likely pathogenic (2). Last evaluated 2022-08-28.

Conditions:
CDHR1-related disorders.

gnomAD v4.1: 1 of 1,609,732 alleles (0.000062%); highest among the groups gnomAD compares: African/African-American, 0.0013%; no homozygotes.

Submissions (2):

Labcorp Genetics (formerly Invitae), Labcorp
Classification: Likely pathogenic. Last evaluated: 2022-08-28. Review status: criteria provided, single submitter. Criteria: Invitae Variant Classification Sherloc (09022015). Collection method: clinical testing. Allele origin: germline.
Comment: ClinVar contains an entry for this variant (Variation ID: 1345085). Algorithms developed to predict the effect of sequence changes on RNA splicing suggest that this variant may disrupt the consensus splice site. In summary, the currently available evidence indicates that the variant is pathogenic, but additional data are needed to prove that conclusively. Therefore, this variant has been classified as Likely Pathogenic. This sequence change affects an acceptor splice site in intron 6 of the CDHR1 gene. It is expected to disrupt RNA splicing. Variants that disrupt the donor or acceptor splice site typically lead to a loss of protein function (PMID: 16199547), and loss-of-function variants in CDHR1 are known to be pathogenic (PMID: 23044944, 23591405, 26103963, 26261414). This variant is not present in population databases (gnomAD no frequency). This variant has not been reported in the literature in individuals affected with CDHR1-related conditions.

Blueprint Genetics
Classification: Likely pathogenic for CDHR1-related disorders. Last evaluated: 2019-02-01. Review status: criteria provided, single submitter. Criteria: ACMG Guidelines, 2015. Collection method: clinical testing. Allele origin: germline. Affected: yes. Observed: 1 variant allele.

Literature cited by the submitters: PubMed 16199547 (cited by Labcorp Genetics (formerly Invitae), Labcorp); PubMed 23044944 (cited by Labcorp Genetics (formerly Invitae), Labcorp); PubMed 23591405 (cited by Labcorp Genetics (formerly Invitae), Labcorp); PubMed 26103963 (cited by Labcorp Genetics (formerly Invitae), Labcorp); PubMed 26261414 (cited by Labcorp Genetics (formerly Invitae), Labcorp).